The following is an entry in ClinVar:

NC_000011.10:g.(?_112094795)_(112094980_?)del

Gene: SDHD (succinate dehydrogenase complex subunit D; plus strand). Cytogenetic location: 11q23.1.
Variant type: Deletion.
Identifiers: ClinVar variation 584289 (VCV000584289.3).

ClinVar aggregate classification (germline): Pathogenic (1 of 4 stars; one submission).

Conditions:
Carney-Stratakis syndrome. Also called: PARAGANGLIOMA AND GASTROINTESTINAL STROMAL TUMOR. Identifiers: Orphanet 97286, MedGen C1847319, MONDO:0011740, OMIM 606864.
Cowden syndrome 3 (CWS3). Identifiers: Orphanet 201, MedGen CN166604, MONDO:0014045.
Pheochromocytoma. Also called: MAX-Related Hereditary Paraganglioma-Pheochromocytoma Syndrome. Identifiers: Orphanet 29072, MedGen C0031511, MONDO:0008233, OMIM 171300, HP:0002666.
Pheochromocytoma/paraganglioma syndrome 1. Also called: PARAGANGLIOMAS, FAMILIAL NONCHROMAFFIN, 1; PGL 1; Paragangliomas familial 1; SDHD-Related Hereditary Paraganglioma-Pheochromocytoma Syndrome; Paragangliomas 1; Glomus tumors familial 1. Identifiers: Orphanet 29072, MedGen C3494181, MONDO:0008192, OMIM 168000.

Submission:

Labcorp Genetics (formerly Invitae), Labcorp
Classification: Pathogenic for Paraganglioma and gastric stromal sarcoma; Paragangliomas 1; Pheochromocytoma; Cowden syndrome 3. Last evaluated: 2019-07-17. Review status: criteria provided, single submitter. Criteria: Invitae Variant Classification Sherloc (09022015). Collection method: clinical testing. Allele origin: germline.
Comment: This variant is a gross deletion of the genomic region encompassing exon 4 of the SDHD gene. The 5' boundary is likely confined to intron 3. The 3' end of this event is unknown as it extends through the termination codon beyond the assayed region for this gene and may encompass additional genes. While this deletion is not anticipated to result in nonsense mediated decay, it is expected to create a truncated protein product or disrupt mRNA translation. Similar deletions of exon 4 have been reported in at least 5 families affected with paragangliomas, with many of the individuals presenting with single or multiple head and neck paragangliomas. Amongst the families, these variants were shown to segregate with disease in 20 of the affected individuals (PMID: 19454582, 20111059, 22382802). In one of the studies, the deletion of exon 4 was suggested to be an Austrian founder mutation (PMID: 20111059). A founder mutation (p.Leu139Pro) has been reported in the deleted region (PMID: 21348866, 11391798), and a different truncation that occurs within the deleted region (p.Gln109*) has been determined to be pathogenic (PMID: 11897817, 19454582, 25720320). This suggests that deletion of this region of the SDHD protein is causative of disease. For these reasons, this variant has been classified as Pathogenic.

Literature cited by the submitters: PubMed 21348866; PubMed 22382802; PubMed 11897817; PubMed 19454582; PubMed 11391798; PubMed 25720320; PubMed 20111059.